The following is an entry in ClinVar:

ClinVar aggregate classification (germline): Uncertain significance. Review status: criteria provided, multiple submitters, no conflicts (2 of 4 stars). 2 submissions from 2 submitters: Uncertain significance (2). Last evaluated 2024-11-05.

Conditions:
Anauxetic dysplasia. Identifiers: Orphanet 93347, MedGen C1846796, MONDO:0011773.

Allele frequency attached by ClinVar (database versions not stated): TOPMed 0.00001.

Submissions (2):

Labcorp Genetics (formerly Invitae), Labcorp
Classification: Uncertain significance for Anauxetic dysplasia. Last evaluated: 2024-11-05. Review status: criteria provided, single submitter. Criteria: Invitae Variant Classification Sherloc (09022015). Collection method: clinical testing. Allele origin: germline.
Comment: This variant occurs in the RMRP gene, which encodes an RNA molecule that does not result in a protein product. This variant is not present in population databases (gnomAD no frequency). This variant has not been reported in the literature in individuals affected with RMRP-related conditions. Experimental studies and prediction algorithms are not available or were not evaluated, and the functional significance of this variant is currently unknown. In summary, the available evidence is currently insufficient to determine the role of this variant in disease. Therefore, it has been classified as a Variant of Uncertain Significance.

Women's Health and Genetics/Laboratory Corporation of America, LabCorp
Classification: Uncertain significance. Last evaluated: 2024-03-07. Review status: criteria provided, single submitter. Criteria: LabCorp Variant Classification Summary - May 2015. Collection method: clinical testing. Allele origin: germline.
Comment: Variant summary: RMRP n.-27A>G is located in the untranscribed region upstream of the RMRP gene region. The variant was absent in 127922 control chromosomes. The available data on variant occurrences in the general population are insufficient to allow any conclusion about variant significance. To our knowledge, no occurrence of n.-27A>G in individuals affected with Cartilage-Hair Hypoplasia and no experimental evidence demonstrating its impact on protein function have been reported. ClinVar contains an entry for this variant (Variation ID: 2057406). Based on the evidence outlined above, the variant was classified as uncertain significance.

NC_000009.12:g.35658045T>C

Gene: RMRP (RNA component of mitochondrial RNA processing endoribonuclease; minus strand). Cytogenetic location: 9p13.3.
Variant type: single nucleotide variant.
Genome position: GRCh38 VCF-style: chr9-35658045-T-C. GRCh37 (hg19) VCF-style: chr9-35658042-T-C.
Identifiers: ClinVar variation 2057406 (VCV002057406.5), dbSNP rs1823651542, ClinGen allele CA1846127736.